The following is an entry in ClinVar:

NM_001348716.2(KDM6B):c.1627C>T (p.Pro543Ser)

Gene: KDM6B (lysine demethylase 6B; plus strand). Cytogenetic location: 17p13.1.
Variant type: single nucleotide variant.
Coding change: c.1627C>T on transcript NM_001348716.2 (MANE Select); coding-DNA position 1627, C replaced by T.
Protein change: p.Pro543Ser; replaces proline 543 with serine.
Molecular consequence: missense variant.
Genome position (GRCh38, 1-based): chr17:7,847,915, C>T. VCF-style: chr17-7847915-C-T. GRCh37 (hg19) VCF-style: chr17-7751233-C-T.
Other names: c.1627C>T, p.Pro543Ser (NM_001080424.2); short protein forms P543S.
Identifiers: ClinVar variation 4280976 (VCV004280976.7).

ClinVar aggregate classification (germline): Likely benign (1 of 4 stars; one submission).

gnomAD v4.1: 12 of 1,611,364 alleles (0.00074%); highest among the groups gnomAD compares: Admixed American, 0.0017%; no homozygotes.

Submission:

CeGaT Center for Human Genetics Tuebingen
Classification: Likely benign. Last evaluated: 2025-09-01. Review status: criteria provided, single submitter. Criteria: CeGaT Center For Human Genetics Tuebingen Variant Classification Criteria Version 2. Collection method: clinical testing. Allele origin: germline. Affected: yes. Observed: 1 variant allele.
Comment: KDM6B: BP4